The following is an entry in ClinVar:

ClinVar aggregate classification (germline): Uncertain significance (1 of 4 stars; one submission).

Allele frequency attached by ClinVar (database versions not stated): ExAC 0.00003; gnomAD 0.00005; gnomAD exomes 0.00005 and 0.00007; TOPMed 0.00006.

Submission:

Labcorp Genetics (formerly Invitae), Labcorp
Classification: Uncertain significance. Last evaluated: 2026-01-18. Review status: criteria provided, single submitter. Criteria: Invitae Variant Classification Sherloc (09022015). Collection method: clinical testing. Allele origin: germline.
Comment: This sequence change affects the initiator codon of the MRPS16 mRNA. This change may impact translation initiation or efficiency. The next in-frame methionine is located at codon 87. This variant is present in population databases (rs752831037, gnomAD 0.03%). This variant has not been reported in the literature in individuals affected with MRPS16-related conditions. ClinVar contains an entry for this variant (Variation ID: 1405027). Experimental studies and prediction algorithms are not available or were not evaluated, and the functional significance of this variant is currently unknown. In summary, the available evidence is currently insufficient to determine the role of this variant in disease. Therefore, it has been classified as a Variant of Uncertain Significance.

NM_016065.4(MRPS16):c.2T>C (p.Met1Thr)

Genes: DNAJC9-AS1 (DNAJC9 and MRPS16 antisense RNA 1; plus strand), MRPS16 (mitochondrial ribosomal protein S16; minus strand). Cytogenetic location: 10q22.2.
Variant type: single nucleotide variant.
Coding change: c.2T>C on transcript NM_016065.4 (MANE Select); coding-DNA position 2, T replaced by C.
Protein change: p.Met1Thr; changes the start codon (methionine 1).
Molecular consequence: missense variant, initiator codon variant.
Genome position (GRCh38, 1-based): chr10:73,252,481, A>G on the plus strand (T>C on the coding strand, the complement: MRPS16 is on the minus strand). VCF-style: chr10-73252481-A-G. GRCh37 (hg19) VCF-style: chr10-75012239-A-G.
Other names: short protein forms M1T.
Identifiers: ClinVar variation 1405027 (VCV001405027.6), dbSNP rs752831037, ClinGen allele CA5553468.